The following is an entry in ClinVar:

NM_015559.3(SETBP1):c.2111C>T (p.Ala704Val)

Gene: SETBP1 (SET binding protein 1; plus strand). Cytogenetic location: 18q12.3.
Variant type: single nucleotide variant.
Coding change: c.2111C>T on transcript NM_015559.3 (MANE Select); coding-DNA position 2111, C replaced by T.
Protein change: p.Ala704Val; replaces alanine 704 with valine.
Molecular consequence: missense variant.
Genome position (GRCh38, 1-based): chr18:44,951,451, C>T. VCF-style: chr18-44951451-C-T. GRCh37 (hg19) VCF-style: chr18-42531416-C-T.
Other names: short protein forms A704V.
Identifiers: ClinVar variation 803485 (VCV000803485.7), dbSNP rs1599367870, ClinGen allele CA402320415.

ClinVar aggregate classification (germline): Uncertain significance. Review status: criteria provided, multiple submitters, no conflicts (2 of 4 stars). 3 submissions from 3 submitters: Uncertain significance (3). Last evaluated 2025-04-15.

Conditions:
Schinzel-Giedion syndrome (SGS). Identifiers: Orphanet 798, MedGen C0265227, MONDO:0010010, OMIM 269150.

Allele frequency attached by ClinVar (database versions not stated): gnomAD exomes below 0.00001.
gnomAD v4.1: 1 of 1,614,110 alleles (0.000062%); highest among the groups gnomAD compares: African/African-American, 0.0013%; no homozygotes.

Submissions (3):

Dasa
Classification: Uncertain significance. Last evaluated: 2025-04-15. Review status: criteria provided, single submitter. Criteria: DASA Assertion Criteria. Collection method: clinical testing. Allele origin: germline.
Comment: NM_015559.3(SETBP1):c.2111C>T (p.Ala704Val) is a missense variant that results in the substitution of alanine with valine. This variant is rare in population databases. Computational prediction algorithms are consistent with a benign effect. The currently available literature and clinical evidence are not sufficient to establish a definitive association between this variant and the reported condition. Therefore, this variant is classified as a variant of uncertain significance.

Labcorp Genetics (formerly Invitae), Labcorp
Classification: Uncertain significance. Last evaluated: 2022-05-05. Review status: criteria provided, single submitter. Criteria: Invitae Variant Classification Sherloc (09022015). Collection method: clinical testing. Allele origin: germline.
Comment: This sequence change replaces alanine, which is neutral and non-polar, with valine, which is neutral and non-polar, at codon 704 of the SETBP1 protein (p.Ala704Val). This variant is not present in population databases (gnomAD no frequency). This variant has not been reported in the literature in individuals affected with SETBP1-related conditions. ClinVar contains an entry for this variant (Variation ID: 803485). Algorithms developed to predict the effect of missense changes on protein structure and function are either unavailable or do not agree on the potential impact of this missense change (SIFT: "Deleterious"; PolyPhen-2: "Benign"; Align-GVGD: "Class C0"). In summary, the available evidence is currently insufficient to determine the role of this variant in disease. Therefore, it has been classified as a Variant of Uncertain Significance.

Mendelics
Classification: Uncertain significance for Schinzel-Giedion syndrome. Last evaluated: 2019-05-28. Review status: criteria provided, single submitter. Criteria: Mendelics Assertion Criteria 2017. Collection method: clinical testing. Allele origin: unknown.